The following is an entry in ClinVar:

NM_198578.4(LRRK2):c.4099G>T (p.Ala1367Ser)

Gene: LRRK2 (leucine rich repeat kinase 2; plus strand). Cytogenetic location: 12q12.
Variant type: single nucleotide variant.
Coding change: c.4099G>T on transcript NM_198578.4 (MANE Select); coding-DNA position 4099, G replaced by T.
Protein change: p.Ala1367Ser; replaces alanine 1367 with serine.
Molecular consequence: missense variant.
Genome position (GRCh38, 1-based): chr12:40,308,606, G>T. VCF-style: chr12-40308606-G-T. GRCh37 (hg19) VCF-style: chr12-40702408-G-T.
Other names: short protein forms A1367S.
Identifiers: ClinVar variation 1737798 (VCV001737798.5), dbSNP rs757606705, ClinGen allele CA6514078.

ClinVar aggregate classification (germline): Uncertain significance. Review status: criteria provided, multiple submitters, no conflicts (2 of 4 stars). 2 submissions from 2 submitters: Uncertain significance (2). Last evaluated 2024-04-02.

Conditions:
Autosomal dominant Parkinson disease 8. Also called: Parkinson disease 8, susceptibility to; LRRK2-Related Parkinson Disease; Parkinson disease 8. Identifiers: Orphanet 411602, MedGen C1846862, MONDO:0011764, OMIM 607060.
Inborn genetic diseases. Identifiers: MedGen C0950123, MeSH D030342.

Allele frequency attached by ClinVar (database versions not stated): ExAC 0.00001; gnomAD 0.00001.
gnomAD v4.1: 1 of 1,613,910 alleles (0.000062%); highest among the groups gnomAD compares: Non-Finnish European, 0.000085%; no homozygotes.

Submissions (2):

Labcorp Genetics (formerly Invitae), Labcorp
Classification: Uncertain significance for Autosomal dominant Parkinson disease 8. Last evaluated: 2024-04-02. Review status: criteria provided, single submitter. Criteria: Invitae Variant Classification Sherloc (09022015). Collection method: clinical testing. Allele origin: germline.
Comment: This sequence change replaces alanine, which is neutral and non-polar, with serine, which is neutral and polar, at codon 1367 of the LRRK2 protein (p.Ala1367Ser). This variant is not present in population databases (gnomAD no frequency). This variant has not been reported in the literature in individuals affected with LRRK2-related conditions. ClinVar contains an entry for this variant (Variation ID: 1737798). Advanced modeling of protein sequence and biophysical properties (such as structural, functional, and spatial information, amino acid conservation, physicochemical variation, residue mobility, and thermodynamic stability) performed at Invitae indicates that this missense variant is not expected to disrupt LRRK2 protein function with a negative predictive value of 80%. In summary, the available evidence is currently insufficient to determine the role of this variant in disease. Therefore, it has been classified as a Variant of Uncertain Significance.

Ambry Genetics
Classification: Uncertain significance for Inborn genetic diseases. Last evaluated: 2021-06-20. Review status: criteria provided, single submitter. Criteria: Ambry Variant Classification Scheme 2023. Collection method: clinical testing. Allele origin: germline.
Comment: The p.A1367S variant (also known as c.4099G>T), located in coding exon 29 of the LRRK2 gene, results from a G to T substitution at nucleotide position 4099. The alanine at codon 1367 is replaced by serine, an amino acid with similar properties. This amino acid position is conserved. In addition, this alteration is predicted to be tolerated by in silico analysis. Since supporting evidence is limited at this time, the clinical significance of this alteration remains unclear.